The following is an entry in ClinVar:

NM_171998.4(RAB39B):c.636G>T (p.Leu212Phe)

Gene: RAB39B (RAB39B, member RAS oncogene family; minus strand). Cytogenetic location: Xq28.
Variant type: single nucleotide variant.
Coding change: c.636G>T on transcript NM_171998.4 (MANE Select); coding-DNA position 636, G replaced by T.
Protein change: p.Leu212Phe; replaces leucine 212 with phenylalanine.
Molecular consequence: missense variant.
Genome position (GRCh38, 1-based): chrX:155,260,809, C>A on the plus strand (G>T on the coding strand, the complement: RAB39B is on the minus strand). VCF-style: chrX-155260809-C-A. GRCh37 (hg19) VCF-style: chrX-154490094-C-A.
Other names: short protein forms L212F.
Identifiers: ClinVar variation 5008973 (VCV005008973.1).

ClinVar aggregate classification (germline): Uncertain significance (1 of 4 stars; one submission).

Submission:

GeneDx
Classification: Uncertain significance. Last evaluated: 2026-03-14. Review status: criteria provided, single submitter. Criteria: GeneDx Variant Classification Process June 2021. Collection method: clinical testing. Allele origin: germline.
Comment: Not observed at significant frequency in large population cohorts (gnomAD); In silico analysis suggests that this missense variant does not alter protein structure/function; Has not been previously published as pathogenic or benign to our knowledge